The following is an entry in ClinVar:

ClinVar aggregate classification (germline): Conflicting classifications of pathogenicity. Review status: criteria provided, conflicting classifications (1 of 4 stars). 9 submissions from 9 submitters: Pathogenic (1); Likely pathogenic (6); Uncertain significance (1). 1 of the submissions does not count toward it. Last evaluated 2026-02-06.

Conditions:
POLG-related disorder. Also called: POLG-related condition; POLG-Related Disorders; POLG-Related Spectrum Disorders. Identifiers: MedGen C4763519.
Inborn genetic diseases. Identifiers: MedGen C0950123, MeSH D030342.
Progressive sclerosing poliodystrophy (MTDPS4A). Also called: Mitochondrial DNA depletion syndrome 4A (Alpers type); ALPERS PROGRESSIVE INFANTILE POLIODYSTROPHY; Alpers-Huttenlocher Syndrome; Alpers-Huttenlocher Syndrome (AHS); ALPERS DIFFUSE DEGENERATION OF CEREBRAL GRAY MATTER WITH HEPATIC CIRRHOSIS; NEURONAL DEGENERATION OF CHILDHOOD WITH LIVER DISEASE, PROGRESSIVE. Identifiers: Orphanet 726, MedGen C0205710, MONDO:0008758, OMIM 203700.
Progressive external ophthalmoplegia with mitochondrial DNA deletions, autosomal dominant 1 (PEOA1). Also called: PROGRESSIVE EXTERNAL OPHTHALMOPLEGIA, AUTOSOMAL DOMINANT 1; Autosomal Dominant Progressive External Ophthalmoplegia (adPEO). Identifiers: MedGen C1834846, MONDO:0024528, OMIM 157640.

Allele frequency attached by ClinVar (database versions not stated): gnomAD exomes below 0.00001 and 0.00001; TOPMed below 0.00001; ExAC 0.00001; gnomAD 0.00001.
gnomAD v4.1: 7 of 1,613,978 alleles (0.00043%); highest among the groups gnomAD compares: Non-Finnish European, 0.00059%; no homozygotes.

Submissions (9):

PreventionGenetics, part of Exact Sciences
Classification: Likely pathogenic for POLG-related condition. Last evaluated: 2026-02-06. Review status: criteria provided, single submitter. Criteria: ACMG Guidelines, 2015. Collection method: clinical testing. Allele origin: germline.
Comment: The POLG c.3527C>T variant is predicted to result in the amino acid substitution p.Ser1176Leu. This variant has been reported in trans with a second POLG variant in multiple family members with progressive external ophthalmoplegia (Lamantea et al. 2002. PubMed ID: 12210792; Lamantea and Zeviani. 2004. PubMed ID: 15349879). This variant is reported in 0.0018% of alleles in individuals of European (non-Finnish) descent in gnomAD. This variant is interpreted as likely pathogenic for autosomal recessive POLG-related disorders and uncertain for autosomal dominant POLG-related disorders.

Labcorp Genetics (formerly Invitae), Labcorp
Classification: Pathogenic for Progressive sclerosing poliodystrophy. Last evaluated: 2025-12-15. Review status: criteria provided, single submitter. Criteria: Invitae Variant Classification Sherloc (09022015). Collection method: clinical testing. Allele origin: germline.
Comment: This sequence change replaces serine, which is neutral and polar, with leucine, which is neutral and non-polar, at codon 1176 of the POLG protein (p.Ser1176Leu). This variant is present in population databases (rs776031396, gnomAD 0.002%). This missense change has been observed in individual(s) with autosomal recessive progressive external ophthalmoplegia (PMID: 12210792, 15349879). In at least one individual the data is consistent with being in trans (on the opposite chromosome) from a pathogenic variant. It has also been observed to segregate with disease in related individuals. ClinVar contains an entry for this variant (Variation ID: 430382). Invitae Evidence Modeling of protein sequence and biophysical properties (such as structural, functional, and spatial information, amino acid conservation, physicochemical variation, residue mobility, and thermodynamic stability) indicates that this missense variant is expected to disrupt POLG protein function with a positive predictive value of 95%. For these reasons, this variant has been classified as Pathogenic.

Institute of Human Genetics, University of Leipzig Medical Center
Classification: Uncertain significance for Progressive external ophthalmoplegia with mitochondrial DNA deletions, autosomal dominant 1. Last evaluated: 2024-04-24. Review status: criteria provided, single submitter. Criteria: ACMG Guidelines, 2015. Collection method: clinical testing. Allele origin: unknown. Affected: yes.
Comment: Criteria applied: PS4_SUP,PM2_SUP,PP3, PM2_SUP

Baylor Genetics
Classification: Likely pathogenic for Progressive sclerosing poliodystrophy. Last evaluated: 2024-03-25. Review status: criteria provided, single submitter. Criteria: ACMG Guidelines, 2015. Collection method: clinical testing. Allele origin: unknown.

Ambry Genetics
Classification: Likely pathogenic for Inborn genetic diseases. Last evaluated: 2022-02-28. Review status: criteria provided, single submitter. Criteria: Ambry Variant Classification Scheme 2023. Collection method: clinical testing. Allele origin: germline.
Comment: The c.3527C>T (p.S1176L) alteration is located in exon 22 (coding exon 21) of the POLG gene. This alteration results from a C to T substitution at nucleotide position 3527, causing the serine (S) at amino acid position 1176 to be replaced by a leucine (L). Based on the available evidence, this variant is expected to be causative of autosomal recessive POLG-related mitochondrial disorders when present along with a second pathogenic or likely pathogenic variant on the other allele; however, its clinical significance for autosomal dominant progressive external ophthalmoplegia is unclear. Based on data from gnomAD, the T allele has an overall frequency of <0.01% (2/251486) total alleles studied. The highest observed frequency was <0.01% (2/113762) of European (non-Finnish) alleles. The p.S1176L variant was detected in trans with a second POLG variant and co-segregated with disease in one family with autosomal recessive progressive external ophthalmoplegia (Lamantea, 2002; Lamantea, 2004). This amino acid position is highly conserved in available vertebrate species. This alteration is predicted to be deleterious by in silico analysis. Based on the available evidence, this alteration is classified as likely pathogenic.

Women's Health and Genetics/Laboratory Corporation of America, LabCorp
Classification: Likely pathogenic for POLG-related disorder. Last evaluated: 2021-04-08. Review status: criteria provided, single submitter. Criteria: LabCorp Variant Classification Summary - May 2015. Collection method: clinical testing. Allele origin: germline.
Comment: Variant summary: POLG c.3527C>T (p.Ser1176Leu) results in a non-conservative amino acid change located in the palm domain (IPR001098) of the encoded protein sequence. Five of five in-silico tools predict a damaging effect of the variant on protein function. The variant allele was found at a frequency of 8e-06 in 251486 control chromosomes (gnomAD). The variant, c.3527C>T, has been reported in the literature in a single family, with four compound heterozygous individuals affected with autosomal recessive progressive external ophthalmoplegia (Lamantea_2002, Lamantea_2004). These data indicate that the variant is likely to be associated with disease. To our knowledge, no experimental evidence demonstrating an impact on protein function has been reported. Three submitters have provided clinical-significance assessments for this variant in ClinVar after 2014, and classified the variant as pathogenic (n=1) / likely pathogenic (n=1) and VUS (n=1). Based on the evidence outlined above, the variant was classified as likely pathogenic.

GeneDx
Classification: Likely pathogenic. Last evaluated: 2021-01-29. Review status: criteria provided, single submitter. Criteria: GeneDx Variant Classification Process June 2021. Collection method: clinical testing. Allele origin: germline. Affected: yes.
Comment: Not observed at a significant frequency in large population cohorts (Lek et al., 2016); In silico analysis, which includes protein predictors and evolutionary conservation, supports a deleterious effect; This variant is associated with the following publications: (PMID: 12210792, 15913923, 15349879, 32347949)

Blueprint Genetics
Classification: Likely pathogenic for POLG-related disorders. Last evaluated: 2019-05-10. Review status: criteria provided, single submitter. Criteria: ACMG Guidelines, 2015. Collection method: clinical testing. Allele origin: germline. Affected: yes. Observed: 3 variant alleles.

Genomic Research Center, Shahid Beheshti University of Medical Sciences
Classification: Uncertain significance. Last evaluated: 2020-05-03. Review status: flagged submission. Criteria: ACMG Guidelines, 2015. Collection method: clinical testing. Allele origin: unknown. Affected: no. Not counted in ClinVar's aggregate classification.
ClinVar note: Reason: Outlier claim with insufficient supporting evidence

Literature cited by the submitters: PubMed 12210792 (cited by 3 submitters); PubMed 15349879 (cited by 3 submitters); PubMed 24508722 (cited by Women's Health and Genetics/Laboratory Corporation of America, LabCorp); PubMed 28480171 (cited by Women's Health and Genetics/Laboratory Corporation of America, LabCorp); PubMed 32347949 (cited by Women's Health and Genetics/Laboratory Corporation of America, LabCorp).

NM_002693.3(POLG):c.3527C>T (p.Ser1176Leu)

Gene: POLG (DNA polymerase gamma, catalytic subunit; minus strand). Cytogenetic location: 15q26.1.
Variant type: single nucleotide variant.
Coding change: c.3527C>T on transcript NM_002693.3 (MANE Select); coding-DNA position 3527, C replaced by T.
Protein change: p.Ser1176Leu; replaces serine 1176 with leucine.
Molecular consequence: missense variant.
Genome position (GRCh38, 1-based): chr15:89,317,492, G>A on the plus strand (C>T on the coding strand, the complement: POLG is on the minus strand). VCF-style: chr15-89317492-G-A. GRCh37 (hg19) VCF-style: chr15-89860723-G-A.
Other names: c.3527C>T, p.Ser1176Leu (NM_001126131.2); short protein forms S1176L.
Identifiers: ClinVar variation 430382 (VCV000430382.23), dbSNP rs776031396, ClinGen allele CA7724103.
Genomic context (GRCh38, chr15:89,317,492, plus strand): 5'-TCCATGGTCACTTCCTTCCTGAGGCACCGGTCAATATCGACTGCACTGAAAAAGGCGACT[G>A]ACTGGGGCAAGTCATTCAGACCCAGCTTGTAGGCAAACATGCACCTGAAAGAGACCCAAT-3'
Protein context (NP_002684.1, residues 1166-1186): YKLGLNDLPQ[Ser1176Leu]VAFFSAVDID